The following is an entry in ClinVar:

ClinVar aggregate classification (germline): Likely benign (0 of 4 stars; one submission).

Conditions:
KIF3A-related disorder. Also called: KIF3A-related condition.

Allele frequency attached by ClinVar (database versions not stated): ESP Exome Variant Server 0.00023; gnomAD 0.00024; TOPMed 0.00026; gnomAD exomes 0.00031; ExAC 0.00038.
gnomAD v4.1: 480 of 1,597,870 alleles (0.03%); highest among the groups gnomAD compares: Non-Finnish European, 0.039%; 1 homozygote.

Submission:

PreventionGenetics, part of Exact Sciences
Classification: Likely benign for KIF3A-related condition. Last evaluated: 2020-10-23. Review status: no assertion criteria provided. Collection method: clinical testing. Allele origin: germline.
Comment: This variant is classified as likely benign based on ACMG/AMP sequence variant interpretation guidelines (Richards et al. 2015 PMID: 25741868, with internal and published modifications).

NM_001300791.2(KIF3A):c.1467-8A>T

Gene: KIF3A (kinesin family member 3A; minus strand). Cytogenetic location: 5q31.1.
Variant type: single nucleotide variant.
Coding change: c.1467-8A>T on transcript NM_001300791.2 (MANE Select); 8 bases into the intron before coding-DNA position 1467, A replaced by T.
Molecular consequence: intron variant.
Genome position (GRCh38, 1-based): chr5:132,703,073, T>A on the plus strand (A>T on the coding strand, the complement: KIF3A is on the minus strand). VCF-style: chr5-132703073-T-A. GRCh37 (hg19) VCF-style: chr5-132038765-T-A.
Other names: c.1386-8A>T (NM_007054.7); c.1395-8A>T (NM_001300792.2).
Identifiers: ClinVar variation 3057456 (VCV003057456.2), dbSNP rs374997234, ClinGen allele CA3406207.